The following is an entry in ClinVar:

ClinVar aggregate classification (germline): Uncertain significance. Review status: criteria provided, multiple submitters, no conflicts (2 of 4 stars). 3 submissions from 3 submitters: Uncertain significance (3). Last evaluated 2026-06-20.

Conditions:
COL18A1-related disorder. Also called: COL18A1-related disorders; COL18A1-related condition.

Allele frequency attached by ClinVar (database versions not stated): ExAC 0.00003; gnomAD exomes 0.00004.
gnomAD v4.1: 119 of 1,594,332 alleles (0.0075%); highest among the groups gnomAD compares: Non-Finnish European, 0.0094%; no homozygotes.

Submissions (3):

PreventionGenetics, part of Exact Sciences
Classification: Uncertain significance for COL18A1-related condition. Last evaluated: 2026-06-20. Review status: criteria provided, single submitter. Criteria: ACMG Guidelines, 2015. Collection method: clinical testing. Allele origin: germline.
Comment: The COL18A1 c.3566C>T variant is predicted to result in the amino acid substitution p.Pro1189Leu. To our knowledge, this variant has not been reported in the literature. This variant is reported in 0.0086% of alleles in individuals of Latino descent in gnomAD. At this time, the clinical significance of this variant is uncertain due to the absence of conclusive functional and genetic evidence.

Labcorp Genetics (formerly Invitae), Labcorp
Classification: Uncertain significance. Last evaluated: 2022-09-06. Review status: criteria provided, single submitter. Criteria: Invitae Variant Classification Sherloc (09022015). Collection method: clinical testing. Allele origin: germline.
Comment: This sequence change replaces proline, which is neutral and non-polar, with leucine, which is neutral and non-polar, at codon 1009 of the COL18A1 protein (p.Pro1009Leu). This variant is present in population databases (rs780489714, gnomAD 0.009%). This variant has not been reported in the literature in individuals affected with COL18A1-related conditions. ClinVar contains an entry for this variant (Variation ID: 1354301). Experimental studies and prediction algorithms are not available or were not evaluated, and the functional significance of this variant is currently unknown. In summary, the available evidence is currently insufficient to determine the role of this variant in disease. Therefore, it has been classified as a Variant of Uncertain Significance.

Blueprint Genetics
Classification: Uncertain significance. Last evaluated: 2018-07-18. Review status: criteria provided, single submitter. Criteria: ACMG Guidelines, 2015. Collection method: clinical testing. Allele origin: germline.

NM_001379500.1(COL18A1):c.3035C>T (p.Pro1012Leu)

Genes: SLC19A1 (solute carrier family 19 member 1; minus strand), COL18A1 (collagen type XVIII alpha 1 chain; plus strand). Cytogenetic location: 21q22.3.
Variant type: single nucleotide variant.
Coding change: c.3035C>T on transcript NM_001379500.1 (MANE Select); coding-DNA position 3035, C replaced by T.
Protein change: p.Pro1012Leu; replaces proline 1012 with leucine.
Molecular consequence: missense variant.
Genome position (GRCh38, 1-based): chr21:45,505,379, C>T. VCF-style: chr21-45505379-C-T. GRCh37 (hg19) VCF-style: chr21-46925293-C-T.
Other names: c.3566C>T, p.Pro1189Leu (NM_030582.4); c.4271C>T, p.Pro1424Leu (NM_130444.3); c.3566C>T (NM_030582.3); short protein forms P1424L, P1012L, P1189L.
Identifiers: ClinVar variation 1354301 (VCV001354301.5), dbSNP rs780489714, ClinGen allele CA10067646.